The following is an entry in ClinVar:

NM_001330260.2(SCN8A):c.623C>T (p.Thr208Ile)

Gene: SCN8A (sodium voltage-gated channel alpha subunit 8; plus strand). Cytogenetic location: 12q13.13.
Variant type: single nucleotide variant.
Coding change: c.623C>T on transcript NM_001330260.2 (MANE Select); coding-DNA position 623, C replaced by T.
Protein change: p.Thr208Ile; replaces threonine 208 with isoleucine.
Molecular consequence: missense variant. On other transcripts: intron variant (2).
Genome position (GRCh38, 1-based): chr12:51,689,013, C>T. VCF-style: chr12-51689013-C-T. GRCh37 (hg19) VCF-style: chr12-52082797-C-T.
Other names: c.623C>T, p.Thr208Ile (NM_001369788.1); c.706+164C>T (NM_014191.4, NM_001177984.3); short protein forms T208I.
Identifiers: ClinVar variation 4845511 (VCV004845511.1).

ClinVar aggregate classification (germline): Uncertain significance (1 of 4 stars; one submission).

Submission:

Greenwood Genetic Center Diagnostic Laboratories, Greenwood Genetic Center
Classification: Uncertain significance. Last evaluated: 2025-10-07. Review status: criteria provided, single submitter. Criteria: ACMG Guidelines, 2015. Collection method: clinical testing. Allele origin: germline. Affected: yes.
Comment: PM2